The following is an entry in ClinVar:

ClinVar aggregate classification (germline): Conflicting classifications of pathogenicity. Review status: criteria provided, conflicting classifications (1 of 4 stars). 9 submissions from 7 submitters: Uncertain significance (3); Likely benign (5). 1 of the submissions does not count toward it. Last evaluated 2026-06-01.

Conditions:
Hereditary spherocytosis type 3. Also called: SPTA1-Related Spherocytosis; Spherocytosis type 3. Identifiers: Orphanet 822, MedGen C2678338, MONDO:0010053, OMIM 270970.
SPTA1-related disorder. Also called: SPTA1-related disorders; SPTA1-related condition.
Elliptocytosis 2 (EL2). Also called: ELLIPTOCYTOSIS, RHESUS-UNLINKED TYPE. Identifiers: Orphanet 288, MedGen C1851741, MONDO:0007533, OMIM 130600.
Pyropoikilocytosis, hereditary. Also called: Pyropoikilocytosis. Identifiers: MedGen C0520739, MONDO:0009948, OMIM 266140, HP:0004839. Disease mechanism: loss of function.

Allele frequency attached by ClinVar (database versions not stated): gnomAD exomes 0.00062; ExAC 0.00068; ESP Exome Variant Server 0.00146; gnomAD 0.00180 and 0.00181; 1000 Genomes Project 30x 0.00203; TOPMed 0.00213; 1000 Genomes Project 0.00240.
gnomAD v4.1: 785 of 1,614,128 alleles (0.049%); highest among the groups gnomAD compares: African/African-American, 0.67%; 6 homozygotes.

Submissions (9):

CeGaT Center for Human Genetics Tuebingen
Classification: Likely benign. Last evaluated: 2026-06-01. Review status: criteria provided, single submitter. Criteria: CeGaT Center For Human Genetics Tuebingen Variant Classification Criteria Version 2. Collection method: clinical testing. Allele origin: germline. Affected: yes. Observed: 4 variant alleles.
Comment: SPTA1: BP4, BS2

Labcorp Genetics (formerly Invitae), Labcorp
Classification: Likely benign. Last evaluated: 2026-01-04. Review status: criteria provided, single submitter. Criteria: Invitae Variant Classification Sherloc (09022015). Collection method: clinical testing. Allele origin: germline.

Blueprint Genetics
Classification: Likely benign. Last evaluated: 2024-10-24. Review status: criteria provided, single submitter. Criteria: ACMG Guidelines, 2015. Collection method: clinical testing. Allele origin: germline.

Mayo Clinic Laboratories, Mayo Clinic
Classification: Uncertain significance. Last evaluated: 2023-05-10. Review status: criteria provided, single submitter. Criteria: ACMG Guidelines, 2015. Collection method: clinical testing. Allele origin: germline. Observed: 7 variant alleles.
Comment: BP4_strong

ARUP Laboratories, Molecular Genetics and Genomics, ARUP Laboratories
Classification: Likely benign. Last evaluated: 2022-04-07. Review status: criteria provided, single submitter. Criteria: ARUP Molecular Germline Variant Investigation Process 2021. Collection method: clinical testing. Allele origin: germline.

Illumina Laboratory Services, Illumina
Classification: Uncertain significance for Pyropoikilocytosis, hereditary. Last evaluated: 2018-01-12. Review status: criteria provided, single submitter. Criteria: ICSL Variant Classification Criteria 13 December 2019. Collection method: clinical testing. Allele origin: germline.

Illumina Laboratory Services, Illumina
Classification: Uncertain significance for Hereditary spherocytosis type 3. Last evaluated: 2018-01-12. Review status: criteria provided, single submitter. Criteria: ICSL Variant Classification Criteria 13 December 2019. Collection method: clinical testing. Allele origin: germline.

Illumina Laboratory Services, Illumina
Classification: Likely benign for Elliptocytosis 2. Last evaluated: 2018-01-12. Review status: criteria provided, single submitter. Criteria: ICSL Variant Classification Criteria 13 December 2019. Collection method: clinical testing. Allele origin: germline.
Comment: This variant was observed in the ICSL laboratory as part of a predisposition screen in an ostensibly healthy population. It had not been previously curated by ICSL or reported in the Human Gene Mutation Database (HGMD: prior to June 1st, 2018), and was therefore a candidate for classification through an automated scoring system. Utilizing variant allele frequency, disease prevalence and penetrance estimates, and inheritance mode, an automated score was calculated to assess if this variant is too frequent to cause the disease. Based on the score and internal cut-off values, a variant classified as likely benign is not then subjected to further curation. The score for this variant resulted in a classification of likely benign for this disease.

PreventionGenetics, part of Exact Sciences
Classification: Likely benign for SPTA1-related condition. Last evaluated: 2021-01-18. Review status: no assertion criteria provided. Collection method: clinical testing. Allele origin: germline. Not counted in ClinVar's aggregate classification.
Comment: This variant is classified as likely benign based on ACMG/AMP sequence variant interpretation guidelines (Richards et al. 2015 PMID: 25741868, with internal and published modifications).

Literature cited by the submitters: PubMed 33074880 (cited by Mayo Clinic Laboratories, Mayo Clinic).

NM_003126.4(SPTA1):c.1181A>G (p.Asn394Ser)

Gene: SPTA1 (spectrin alpha, erythrocytic 1; minus strand). Cytogenetic location: 1q23.1.
Variant type: single nucleotide variant.
Coding change: c.1181A>G on transcript NM_003126.4 (MANE Select); coding-DNA position 1181, A replaced by G.
Protein change: p.Asn394Ser; replaces asparagine 394 with serine.
Molecular consequence: missense variant.
Genome position (GRCh38, 1-based): chr1:158,674,607, T>C on the plus strand (A>G on the coding strand, the complement: SPTA1 is on the minus strand). VCF-style: chr1-158674607-T-C. GRCh37 (hg19) VCF-style: chr1-158644397-T-C.
Other names: short protein forms N394S.
Identifiers: ClinVar variation 709190 (VCV000709190.44), dbSNP rs111834376, ClinGen allele CA1183881.